The following is an entry in ClinVar:

ClinVar aggregate classification (germline): Uncertain significance. Review status: criteria provided, multiple submitters, no conflicts (2 of 4 stars). 2 submissions from 2 submitters: Uncertain significance (2). Last evaluated 2024-12-24.

Conditions:
Inborn genetic diseases. Identifiers: MedGen C0950123, MeSH D030342.
Peters plus syndrome. Also called: KRAUSE-KIVLIN SYNDROME. Identifiers: Orphanet 709, MedGen C0796012, MONDO:0009856, OMIM 261540.

Allele frequency attached by ClinVar (database versions not stated): gnomAD exomes below 0.00001; gnomAD 0.00001; TOPMed 0.00003.
gnomAD v4.1: 6 of 1,604,566 alleles (0.00037%); highest among the groups gnomAD compares: Admixed American, 0.005%; no homozygotes.

Submissions (2):

Ambry Genetics
Classification: Uncertain significance for Inborn genetic diseases. Last evaluated: 2024-12-24. Review status: criteria provided, single submitter. Criteria: Ambry Variant Classification Scheme 2023. Collection method: clinical testing. Allele origin: germline.

Labcorp Genetics (formerly Invitae), Labcorp
Classification: Uncertain significance for Peters plus syndrome. Last evaluated: 2024-10-16. Review status: criteria provided, single submitter. Criteria: Invitae Variant Classification Sherloc (09022015). Collection method: clinical testing. Allele origin: germline.
Comment: This sequence change replaces threonine, which is neutral and polar, with isoleucine, which is neutral and non-polar, at codon 145 of the B3GLCT protein (p.Thr145Ile). This variant is present in population databases (no rsID available, gnomAD 0.0009%). This variant has not been reported in the literature in individuals affected with B3GLCT-related conditions. ClinVar contains an entry for this variant (Variation ID: 2179436). Invitae Evidence Modeling of protein sequence and biophysical properties (such as structural, functional, and spatial information, amino acid conservation, physicochemical variation, residue mobility, and thermodynamic stability) indicates that this missense variant is not expected to disrupt B3GLCT protein function with a negative predictive value of 80%. In summary, the available evidence is currently insufficient to determine the role of this variant in disease. Therefore, it has been classified as a Variant of Uncertain Significance.

NM_194318.4(B3GLCT):c.434C>T (p.Thr145Ile)

Gene: B3GLCT (beta 3-glucosyltransferase; plus strand). Cytogenetic location: 13q12.3.
Variant type: single nucleotide variant.
Coding change: c.434C>T on transcript NM_194318.4 (MANE Select); coding-DNA position 434, C replaced by T.
Protein change: p.Thr145Ile; replaces threonine 145 with isoleucine.
Molecular consequence: missense variant.
Genome position (GRCh38, 1-based): chr13:31,247,941, C>T. VCF-style: chr13-31247941-C-T. GRCh37 (hg19) VCF-style: chr13-31822078-C-T.
Other names: c.434C>T (NM_194318.3); short protein forms T145I.
Identifiers: ClinVar variation 2179436 (VCV002179436.4), dbSNP rs1252777892, ClinGen allele CA387719330.